The following is an entry in ClinVar:

ClinVar aggregate classification (germline): Conflicting classifications of pathogenicity. Review status: criteria provided, conflicting classifications (1 of 4 stars). 3 submissions from 3 submitters: Uncertain significance (2); Likely benign (1). Last evaluated 2024-01-03.

Conditions:
Imerslund-Grasbeck syndrome. Also called: ENTEROCYTE COBALAMIN MALABSORPTION; ENTEROCYTE INTRINSIC FACTOR RECEPTOR, DEFECT OF; PERNICIOUS ANEMIA, JUVENILE, DUE TO SELECTIVE INTESTINAL MALABSORPTION OF VITAMIN B12, WITH PROTEINURIA; Imerslund-Gräsbeck syndrome; Megaloblastic anemia due to inborn errors of metabolism. Identifiers: Orphanet 35858, MedGen C4551825, MONDO:0009853.
Proteinuria, chronic benign. Identifiers: MedGen C5394384, MONDO:0030042, OMIM 618884.
Imerslund-Grasbeck syndrome type 1 (IGS1). Also called: Megaloblastic anemia 1, Finnish type; MEGALOBLASTIC ANEMIA, 1; Imerslund-Gräsbeck syndrome 1. Identifiers: MedGen C4016819, MONDO:0100156, OMIM 261100.

Allele frequency attached by ClinVar (database versions not stated): gnomAD 0.00001 and 0.00002; gnomAD exomes 0.00002 and 0.00004; ExAC 0.00004.
gnomAD v4.1: 33 of 1,613,888 alleles (0.002%); highest among the groups gnomAD compares: East Asian, 0.049%; 1 homozygote.

Submissions (3):

Fulgent Genetics
Classification: Uncertain significance for Imerslund-Grasbeck syndrome type 1; Proteinuria, chronic benign. Last evaluated: 2024-01-03. Review status: criteria provided, single submitter. Criteria: ACMG Guidelines, 2015. Collection method: clinical testing. Allele origin: germline.

Blueprint Genetics
Classification: Likely benign. Last evaluated: 2023-05-18. Review status: criteria provided, single submitter. Criteria: ACMG Guidelines, 2015. Collection method: clinical testing. Allele origin: germline.

Labcorp Genetics (formerly Invitae), Labcorp
Classification: Uncertain significance for Imerslund-Grasbeck syndrome. Last evaluated: 2019-05-20. Review status: criteria provided, single submitter. Criteria: Invitae Variant Classification Sherloc (09022015). Collection method: clinical testing. Allele origin: germline.
Comment: In summary, the available evidence is currently insufficient to determine the role of this variant in disease. Therefore, it has been classified as a Variant of Uncertain Significance. Algorithms developed to predict the effect of missense changes on protein structure and function output the following: SIFT: "Tolerated"; PolyPhen-2: "Benign"; Align-GVGD: "Class C0". The cysteine amino acid residue is found in multiple mammalian species, suggesting that this missense change does not adversely affect protein function. These predictions have not been confirmed by published functional studies and their clinical significance is uncertain. This variant has not been reported in the literature in individuals with CUBN-related conditions. This variant is present in population databases (rs763475348, ExAC 0.05%). This sequence change replaces tyrosine with cysteine at codon 1124 of the CUBN protein (p.Tyr1124Cys). The tyrosine residue is weakly conserved and there is a large physicochemical difference between tyrosine and cysteine.

NM_001081.4(CUBN):c.3371A>G (p.Tyr1124Cys)

Gene: CUBN (cubilin; minus strand). Cytogenetic location: 10p13.
Variant type: single nucleotide variant.
Coding change: c.3371A>G on transcript NM_001081.4 (MANE Select); coding-DNA position 3371, A replaced by G.
Protein change: p.Tyr1124Cys; replaces tyrosine 1124 with cysteine.
Molecular consequence: missense variant.
Genome position (GRCh38, 1-based): chr10:17,046,053, T>C on the plus strand (A>G on the coding strand, the complement: CUBN is on the minus strand). VCF-style: chr10-17046053-T-C. GRCh37 (hg19) VCF-style: chr10-17088052-T-C.
Other names: short protein forms Y1124C.
Identifiers: ClinVar variation 848409 (VCV000848409.12), dbSNP rs763475348, ClinGen allele CA5424683.